The following is an entry in ClinVar:

ClinVar aggregate classification (germline): Uncertain significance (1 of 4 stars; one submission).

gnomAD v4.1: 34 of 1,613,778 alleles (0.0021%); highest among the groups gnomAD compares: East Asian, 0.016%; 1 homozygote.

Submission:

Labcorp Genetics (formerly Invitae), Labcorp
Classification: Uncertain significance. Last evaluated: 2025-04-11. Review status: criteria provided, single submitter. Criteria: Invitae Variant Classification Sherloc (09022015). Collection method: clinical testing. Allele origin: germline.
Comment: This sequence change replaces alanine, which is neutral and non-polar, with aspartic acid, which is acidic and polar, at codon 812 of the CELSR2 protein (p.Ala812Asp). This variant is present in population databases (no rsID available, gnomAD 0.06%). This variant has not been reported in the literature in individuals affected with CELSR2-related conditions. ClinVar contains an entry for this variant (Variation ID: 3671400). Invitae Evidence Modeling of protein sequence and biophysical properties (such as structural, functional, and spatial information, amino acid conservation, physicochemical variation, residue mobility, and thermodynamic stability) indicates that this missense variant is not expected to disrupt CELSR2 protein function with a negative predictive value of 80%. In summary, the available evidence is currently insufficient to determine the role of this variant in disease. Therefore, it has been classified as a Variant of Uncertain Significance.

NM_001408.3(CELSR2):c.2435C>A (p.Ala812Asp)

Gene: CELSR2 (cadherin EGF LAG seven-pass G-type receptor 2; plus strand). Cytogenetic location: 1p13.3.
Variant type: single nucleotide variant.
Coding change: c.2435C>A on transcript NM_001408.3 (MANE Select); coding-DNA position 2435, C replaced by A.
Protein change: p.Ala812Asp; replaces alanine 812 with aspartic acid.
Molecular consequence: missense variant.
Genome position (GRCh38, 1-based): chr1:109,252,514, C>A. VCF-style: chr1-109252514-C-A. GRCh37 (hg19) VCF-style: chr1-109795136-C-A.
Other names: short protein forms A812D.
Identifiers: ClinVar variation 3671400 (VCV003671400.2).